The following is an entry in ClinVar:

NM_017882.3(CLN6):c.160C>T (p.Gln54Ter)

Gene: CLN6 (CLN6 transmembrane ER protein; minus strand). Cytogenetic location: 15q23.
Variant type: single nucleotide variant.
Coding change: c.160C>T on transcript NM_017882.3 (MANE Select); coding-DNA position 160, C replaced by T.
Protein change: p.Gln54Ter; replaces glutamine 54 with a stop codon.
Molecular consequence: nonsense.
Genome position (GRCh38, 1-based): chr15:68,218,574, G>A on the plus strand (C>T on the coding strand, the complement: CLN6 is on the minus strand). VCF-style: chr15-68218574-G-A. GRCh37 (hg19) VCF-style: chr15-68510912-G-A.
Other names: c.256C>T, p.Gln86Ter (NM_001411068.1); short protein forms Q54*, Q86*.
Identifiers: ClinVar variation 5013299 (VCV005013299.1).

ClinVar aggregate classification (germline): Pathogenic (1 of 4 stars; one submission).

Conditions:
Neuronal ceroid lipofuscinosis. Also called: Neuronal Ceroid Lipofuscinoses. Identifiers: Orphanet 216, Orphanet 79263, MedGen C0027877, MONDO:0016295. Disease mechanism: loss of function.

Submission:

Myriad Genetics, Inc.
Classification: Pathogenic for Neuronal ceroid lipofuscinosis. Last evaluated: 2024-07-10. Review status: criteria provided, single submitter. Criteria: Myriad Autosomal Dominant, Autosomal Recessive and X-Linked Classification Criteria (2023). Collection method: clinical testing. Allele origin: unknown.
Comment: NM_017882.2(CLN6):c.160C>T(Q54*) is expected to be pathogenic in the context of neuronal ceroid lipofuscinosis, CLN6-related. This variant is predicted to lead to an abnormal or absent protein product due to the creation of a premature termination codon in CLN6, a gene where loss-of-function variants are known to be pathogenic. Please note: this variant was assessed in the context of healthy population screening.